The following is an entry in ClinVar:

ClinVar aggregate classification (germline): Likely benign. Review status: criteria provided, single submitter (1 of 4 stars). 2 submissions from 2 submitters: Likely benign (1). 1 of the submissions does not count toward it. Last evaluated 2025-03-24.

Conditions:
COX6A1-related disorder. Also called: COX6A1-related condition.

Allele frequency attached by ClinVar (database versions not stated): ExAC 0.00004; gnomAD exomes 0.00004; ESP Exome Variant Server 0.00015.
gnomAD v4.1: 144 of 1,612,464 alleles (0.0089%); highest among the groups gnomAD compares: Middle Eastern, 0.15%; no homozygotes.

Submissions (2):

Labcorp Genetics (formerly Invitae), Labcorp
Classification: Likely benign. Last evaluated: 2025-03-24. Review status: criteria provided, single submitter. Criteria: Invitae Variant Classification Sherloc (09022015). Collection method: clinical testing. Allele origin: germline.

PreventionGenetics, part of Exact Sciences
Classification: Likely benign for COX6A1-related condition. Last evaluated: 2019-05-24. Review status: no assertion criteria provided. Collection method: clinical testing. Allele origin: germline. Not counted in ClinVar's aggregate classification.
Comment: This variant is classified as likely benign based on ACMG/AMP sequence variant interpretation guidelines (Richards et al. 2015 PMID: 25741868, with internal and published modifications).

NM_004373.4(COX6A1):c.255C>A (p.Pro85=)

Gene: COX6A1 (cytochrome c oxidase subunit 6A1; plus strand). Cytogenetic location: 12q24.31.
Variant type: single nucleotide variant.
Coding change: c.255C>A on transcript NM_004373.4 (MANE Select); coding-DNA position 255, C replaced by A.
Protein change: p.Pro85=; no amino-acid change (proline 85 retained).
Molecular consequence: synonymous variant.
Genome position (GRCh38, 1-based): chr12:120,440,462, C>A. VCF-style: chr12-120440462-C-A. GRCh37 (hg19) VCF-style: chr12-120878265-C-A.
Other names: c.255C>A (NM_004373.3).
Identifiers: ClinVar variation 1574366 (VCV001574366.10), dbSNP rs138997341, ClinGen allele CA6828059.
Genomic context (GRCh38, chr12:120,440,462, plus strand): 5'-TTCTTTCTAAATTATTTTCTGGAATTATCTAACTGACATCTTCACTCCACAGCCGTTTCC[C>A]TGGGGAGATGGTAACCATACTCTATTCCATAACCCTCATGTGAATCCACTTCCAACTGGC-3'
Protein context (NP_004364.2, residues 75-95): PHLRIRTKPF[Pro85=]WGDGNHTLFH